The following is an entry in ClinVar:

NM_001271.4(CHD2):c.121del (p.Gln41fs)

Gene: CHD2 (chromodomain helicase DNA binding protein 2; plus strand). Cytogenetic location: 15q26.1.
Variant type: Deletion.
Coding change: c.121del on transcript NM_001271.4 (MANE Select); coding-DNA position 121, one base deleted (C; older notation c.121delC).
Protein change: p.Gln41fs; shifts the reading frame from glutamine 41.
Molecular consequence: frameshift variant.
Genome position (GRCh38, 1-based): chr15:92,924,379, C deleted. VCF-style (leftmost placement, unchanged base first): chr15-92924378-GC-G. GRCh37 (hg19) VCF-style: chr15-93467608-GC-G.
Other names: c.121del, p.Gln41fs (NM_001042572.3); short protein forms Q41fs.
Identifiers: ClinVar variation 2101871 (VCV002101871.4), dbSNP rs2505384221, ClinGen allele CA2580090321.
Genomic context (GRCh38, chr15:92,924,378, plus strand): 5'-AAGTCACTCAGCCTCTGAAGAAGCTTCGGGTTCAGACTCAGGCAGTCAGTCGGAAAGTGA[GC>G]AGGGAAGTGATCCAGGAAGTGGACATGGCAGCGAGTCGAACAGCAGCTCTGAATCTTCTG-3'

ClinVar aggregate classification (germline): Pathogenic (1 of 4 stars; one submission).

Conditions:
Developmental and epileptic encephalopathy 94 (DEE94). Also called: CHD2-Related Neurodevelopmental Disorders; Epileptic encephalopathy, childhood-onset. Identifiers: Orphanet 1942, Orphanet 2382, MedGen C3809278, MONDO:0014150, OMIM 615369.

Submission:

Labcorp Genetics (formerly Invitae), Labcorp
Classification: Pathogenic for Developmental and epileptic encephalopathy 94. Last evaluated: 2024-10-15. Review status: criteria provided, single submitter. Criteria: Invitae Variant Classification Sherloc (09022015). Collection method: clinical testing. Allele origin: germline.
Comment: This sequence change creates a premature translational stop signal (p.Gln41Argfs*53) in the CHD2 gene. It is expected to result in an absent or disrupted protein product. Loss-of-function variants in CHD2 are known to be pathogenic (PMID: 23708187, 24207121). This variant is not present in population databases (gnomAD no frequency). This variant has not been reported in the literature in individuals affected with CHD2-related conditions. ClinVar contains an entry for this variant (Variation ID: 2101871). For these reasons, this variant has been classified as Pathogenic.

Literature cited by the submitters: PubMed 23708187; PubMed 24207121.